The following is an entry in ClinVar:

ClinVar aggregate classification (germline): Pathogenic. Review status: criteria provided, multiple submitters, no conflicts (2 of 4 stars). 4 submissions from 4 submitters: Pathogenic (4). Last evaluated 2024-08-12.

Conditions:
Androgen resistance syndrome (AIS). Also called: Androgen insensitivity syndrome; TESTICULAR FEMINIZATION SYNDROME; Androgen insensitivity syndrome due to coactivator deficiency; Androgen insensitivity; ANDROGEN RECEPTOR DEFICIENCY; DIHYDROTESTOSTERONE RECEPTOR DEFICIENCY. Identifiers: Orphanet 754, Orphanet 99429, MedGen C0039585, MONDO:0019154, OMIM 300068. Disease mechanism: loss of function.
Kennedy disease (SMAX1). Also called: KENNEDY SPINAL AND BULBAR MUSCULAR ATROPHY; Spinal and Bulbar Muscular Atrophy; SPINAL AND BULBAR MUSCULAR ATROPHY, X-LINKED 1. Identifiers: Orphanet 481, MedGen C1839259, MONDO:0010735, OMIM 313200.

Submissions (4):

Labcorp Genetics (formerly Invitae), Labcorp
Classification: Pathogenic for Kennedy disease; Androgen resistance syndrome. Last evaluated: 2024-08-12. Review status: criteria provided, single submitter. Criteria: Invitae Variant Classification Sherloc (09022015). Collection method: clinical testing. Allele origin: germline.
Comment: This sequence change creates a premature translational stop signal (p.Asp768Ilefs*21) in the AR gene. It is expected to result in an absent or disrupted protein product. Loss-of-function variants in AR are known to be pathogenic (PMID: 19463997). This variant is not present in population databases (gnomAD no frequency). This premature translational stop signal has been observed in individual(s) with androgen insensitivity syndrome (PMID: 7981689). ClinVar contains an entry for this variant (Variation ID: 279686). For these reasons, this variant has been classified as Pathogenic.

Clinical Genetics and Genomics, Karolinska University Hospital
Classification: Pathogenic. Last evaluated: 2019-09-13. Review status: criteria provided, single submitter. Criteria: ACMG Guidelines, 2015. Collection method: clinical testing. Allele origin: germline. Affected: yes. Observed: 1 variant allele.

GeneDx
Classification: Pathogenic. Last evaluated: 2015-09-02. Review status: criteria provided, single submitter. Criteria: GeneDx Variant Classification (06012015). Collection method: clinical testing. Allele origin: germline. Affected: yes.
Comment: The c.2301delT pathogenic variant in the AR gene was initially identified in an individual with complete androgen insensitivity syndrome (CAIS) and was reported as c.3179delT due to the use of alternative nomenclature (Baldazzi et al., 1994). It has subsequently been identified in multiple other unrelated individuals with CAIS (Gottlieb et al., 2012). The deletion causes a frameshift starting with codon Aspartic acid 768, changes this amino acid to an Isoleucine residue and creates a premature Stop codon at position 21 of the new reading frame, denoted p.Asp768IlefsX21. This variant is predicted to cause loss of normal protein function either through protein truncation or nonsense-mediated mRNA decay.

Dept. of Cytogenetics, ICMR- National Institute of Immunohaematology
Classification: Pathogenic for Androgen resistance syndrome. Review status: criteria provided, single submitter. Criteria: ACMG Guidelines, 2015. Collection method: clinical testing. Allele origin: germline. Affected: yes. Observed: 1 hemizygote.

Literature cited by the submitters: PubMed 19463997 (cited by Labcorp Genetics (formerly Invitae), Labcorp); PubMed 7981689 (cited by Labcorp Genetics (formerly Invitae), Labcorp).

NM_000044.6(AR):c.2301del (p.Asp768fs)

Gene: AR (androgen receptor; plus strand). Cytogenetic location: Xq12.
Variant type: Deletion.
Coding change: c.2301del on transcript NM_000044.6 (MANE Select); coding-DNA position 2301, one base deleted (T; older notation c.2301delT).
Protein change: p.Asp768fs; shifts the reading frame from aspartic acid 768.
Molecular consequence: frameshift variant.
Genome position (GRCh38, 1-based): chrX:67,717,605, T deleted. VCF-style (leftmost placement, unchanged base first): chrX-67717604-CT-C. GRCh37 (hg19) VCF-style: chrX-66937446-CT-C.
Other names: c.705del, p.Asp236fs (NM_001011645.3); short protein forms D768fs, D236fs.
Identifiers: ClinVar variation 279686 (VCV000279686.11), dbSNP rs886041131, ClinGen allele CA10603626.